The following is an entry in ClinVar:

ClinVar aggregate classification (germline): Benign/Likely benign. Review status: criteria provided, multiple submitters, no conflicts (2 of 4 stars). 6 submissions from 5 submitters: Benign (2); Likely benign (4). Last evaluated 2025-12-15.

Conditions:
Melnick-Fraser syndrome (BOR). Also called: Branchio-oto-renal syndrome; Branchiootorenal syndrome; Branchiootorenal Syndrome (BORS). Identifiers: Orphanet 107, MedGen C0265234, MONDO:0007029.
Otofaciocervical syndrome 1 (OTFCS). Identifiers: MedGen C3714941, MONDO:0024532, OMIM 166780.
Branchiootic syndrome 1 (BOS1). Also called: BO SYNDROME 1; BRANCHIOOTIC DYSPLASIA. Identifiers: MedGen C1865143, MONDO:0011258, OMIM 602588.

Allele frequency attached by ClinVar (database versions not stated): gnomAD 0.00011 and 0.00013; TOPMed 0.00011; ESP Exome Variant Server 0.00015.
gnomAD v4.1: 251 of 1,613,912 alleles (0.016%); highest among the groups gnomAD compares: Middle Eastern, 0.066%; no homozygotes.

Submissions (6):

Labcorp Genetics (formerly Invitae), Labcorp
Classification: Benign for Melnick-Fraser syndrome. Last evaluated: 2025-12-15. Review status: criteria provided, single submitter. Criteria: Invitae Variant Classification Sherloc (09022015). Collection method: clinical testing. Allele origin: germline.

CeGaT Center for Human Genetics Tuebingen
Classification: Likely benign. Last evaluated: 2025-09-01. Review status: criteria provided, single submitter. Criteria: CeGaT Center For Human Genetics Tuebingen Variant Classification Criteria Version 2. Collection method: clinical testing. Allele origin: germline. Affected: yes. Observed: 2 variant alleles.
Comment: EYA1: BP4, BP7

Blueprint Genetics
Classification: Likely benign. Last evaluated: 2024-09-12. Review status: criteria provided, single submitter. Criteria: ACMG Guidelines, 2015. Collection method: clinical testing. Allele origin: germline.

GeneDx
Classification: Likely benign. Last evaluated: 2020-04-20. Review status: criteria provided, single submitter. Criteria: GeneDx Variant Classification Process June 2021. Collection method: clinical testing. Allele origin: germline. Affected: yes.

Illumina Laboratory Services, Illumina
Classification: Likely benign for Branchiootic syndrome. Last evaluated: 2018-01-12. Review status: criteria provided, single submitter. Criteria: ICSL Variant Classification Criteria 13 December 2019. Collection method: clinical testing. Allele origin: germline.
Comment: This variant was observed in the ICSL laboratory as part of a predisposition screen in an ostensibly healthy population. It had not been previously curated by ICSL or reported in the Human Gene Mutation Database (HGMD: prior to June 1st, 2018), and was therefore a candidate for classification through an automated scoring system. Utilizing variant allele frequency, disease prevalence and penetrance estimates, and inheritance mode, an automated score was calculated to assess if this variant is too frequent to cause the disease. Based on the score and internal cut-off values, a variant classified as likely benign is not then subjected to further curation. The score for this variant resulted in a classification of likely benign for this disease.

Illumina Laboratory Services, Illumina
Classification: Benign for Otofaciocervical syndrome 1. Last evaluated: 2018-01-12. Review status: criteria provided, single submitter. Criteria: ICSL Variant Classification Criteria 13 December 2019. Collection method: clinical testing. Allele origin: germline.
Comment: This variant was observed in the ICSL laboratory as part of a predisposition screen in an ostensibly healthy population. It had not been previously curated by ICSL or reported in the Human Gene Mutation Database (HGMD: prior to June 1st, 2018), and was therefore a candidate for classification through an automated scoring system. Utilizing variant allele frequency, disease prevalence and penetrance estimates, and inheritance mode, an automated score was calculated to assess if this variant is too frequent to cause the disease. Based on the score and internal cut-off values, a variant classified as benign is not then subjected to further curation. The score for this variant resulted in a classification of benign for this disease.

NM_000503.6(EYA1):c.783G>A (p.Pro261=)

Gene: EYA1 (EYA transcriptional coactivator and phosphatase 1; minus strand). Cytogenetic location: 8q13.3.
Variant type: single nucleotide variant.
Coding change: c.783G>A on transcript NM_000503.6 (MANE Select); coding-DNA position 783, G replaced by A.
Protein change: p.Pro261=; no amino-acid change (proline 261 retained).
Molecular consequence: synonymous variant.
Genome position (GRCh38, 1-based): chr8:71,299,090, C>T on the plus strand (G>A on the coding strand, the complement: EYA1 is on the minus strand). VCF-style: chr8-71299090-C-T. GRCh37 (hg19) VCF-style: chr8-72211325-C-T.
Other names: c.765G>A, p.Pro255= (NM_001288574.2); c.417G>A, p.Pro139= (NM_001288575.2); c.870G>A, p.Pro290= (NM_001370333.1); c.783G>A, p.Pro261= (NM_001370334.1, NM_001370335.1, NM_172058.4); c.852G>A, p.Pro284= (NM_001370336.1); c.855G>A, p.Pro285= (NM_172059.5).
Identifiers: ClinVar variation 363654 (VCV000363654.37), dbSNP rs146648560, ClinGen allele CA4779666.